The following is an entry in ClinVar:

NM_023110.3(FGFR1):c.1509C>G (p.Asp503Glu)

Gene: FGFR1 (fibroblast growth factor receptor 1; minus strand). Cytogenetic location: 8p11.23.
Variant type: single nucleotide variant.
Coding change: c.1509C>G on transcript NM_023110.3 (MANE Select); coding-DNA position 1509, C replaced by G.
Protein change: p.Asp503Glu; replaces aspartic acid 503 with glutamic acid.
Molecular consequence: missense variant.
Genome position (GRCh38, 1-based): chr8:38,417,913, G>C on the plus strand (C>G on the coding strand, the complement: FGFR1 is on the minus strand). VCF-style: chr8-38417913-G-C. GRCh37 (hg19) VCF-style: chr8-38275431-G-C.
Other names: c.1503C>G, p.Asp501Glu (NM_001174063.2, NM_001174065.2, NM_001354367.2 and 1 more transcripts); c.1479C>G, p.Asp493Glu (NM_001174064.2); c.1242C>G, p.Asp414Glu (NM_001174066.2, NM_023105.3); c.1602C>G, p.Asp534Glu (NM_001174067.2); c.1230C>G, p.Asp410Glu (NM_001354368.2); c.1497C>G, p.Asp499Glu (NM_001354369.2, NM_001410922.1); c.1236C>G, p.Asp412Glu (NM_001354370.2, NM_023106.3); short protein forms D414E, D501E, D410E, D493E, D534E, D412E, D499E, D503E.
Identifiers: ClinVar variation 4788267 (VCV004788267.1).

ClinVar aggregate classification (germline): Uncertain significance (1 of 4 stars; one submission).

Conditions:
Hypogonadotropic hypogonadism 2 with or without anosmia (HH2). Also called: HYPOGONADOTROPIC HYPOGONADISM 2 WITHOUT ANOSMIA; FGFR1-Related GnRH Deficiency (Kallmann Syndrome 2); HYPOGONADOTROPIC HYPOGONADISM 2 WITH OR WITHOUT ANOSMIA, SUSCEPTIBILITY TO; HYPOGONADOTROPIC HYPOGONADISM 2 WITHOUT ANOSMIA, SUSCEPTIBILITY TO. Identifiers: Orphanet 478, MedGen C1563720, MONDO:0007844, OMIM 147950. Disease mechanism: loss of function.
Pfeiffer syndrome (ACS5). Also called: ACS V. Identifiers: Orphanet 710, MedGen C0220658, MONDO:0007043, OMIM 101600.

gnomAD v4.1: 8 of 1,614,094 alleles (0.0005%); highest among the groups gnomAD compares: African/African-American, 0.011%; no homozygotes.

Submission:

Labcorp Genetics (formerly Invitae), Labcorp
Classification: Uncertain significance for Pfeiffer syndrome; Hypogonadotropic hypogonadism 2 with or without anosmia. Last evaluated: 2025-12-03. Review status: criteria provided, single submitter. Criteria: Invitae Variant Classification Sherloc (09022015). Collection method: clinical testing. Allele origin: germline.
Comment: This sequence change replaces aspartic acid, which is acidic and polar, with glutamic acid, which is acidic and polar, at codon 503 of the FGFR1 protein (p.Asp503Glu). This variant is present in population databases (rs372521005, gnomAD 0.01%). This variant has not been reported in the literature in individuals affected with FGFR1-related conditions. Invitae Evidence Modeling of protein sequence and biophysical properties (such as structural, functional, and spatial information, amino acid conservation, physicochemical variation, residue mobility, and thermodynamic stability) indicates that this missense variant is not expected to disrupt FGFR1 protein function with a negative predictive value of 80%. In summary, the available evidence is currently insufficient to determine the role of this variant in disease. Therefore, it has been classified as a Variant of Uncertain Significance.